The following is an entry in ClinVar:

NM_000264.5(PTCH1):c.1217T>C (p.Val406Ala)

Gene: PTCH1 (patched 1; minus strand). Cytogenetic location: 9q22.32.
Variant type: single nucleotide variant.
Coding change: c.1217T>C on transcript NM_000264.5 (MANE Select); coding-DNA position 1217, T replaced by C.
Protein change: p.Val406Ala; replaces valine 406 with alanine.
Molecular consequence: missense variant. On other transcripts: non-coding transcript variant (1).
Genome position (GRCh38, 1-based): chr9:95,478,185, A>G on the plus strand (T>C on the coding strand, the complement: PTCH1 is on the minus strand). VCF-style: chr9-95478185-A-G. GRCh37 (hg19) VCF-style: chr9-98240467-A-G.
Other names: c.1019T>C, p.Val340Ala (NM_001083602.3); c.1214T>C, p.Val405Ala (NM_001083603.3); c.764T>C, p.Val255Ala (NM_001083604.3, NM_001083605.3, NM_001083606.3 and 1 more transcripts); c.1217T>C, p.Val406Ala (NM_001354918.2); short protein forms V405A, V340A, V255A, V406A.
Identifiers: ClinVar variation 3939892 (VCV003939892.1).
Genomic context (GRCh38, chr9:95,478,185, plus strand): 5'-GTCGTGGTGGTGAAGGAAAGCACCTTTTGAGTGGAGTTCTGTGCGACACTCTGATGAACC[A>G]CCTGTGGTCACAACAGAATGCGAAATGCCCAAATGCAATGAACACTTCCACAAGCCTCGA-3'
Protein context (NP_000255.2, residues 396-416): LEAWQRTYVE[Val406Ala]VHQSVAQNST

ClinVar aggregate classification (germline): Uncertain significance (1 of 4 stars; one submission).

Conditions:
Hereditary cancer-predisposing syndrome. Also called: Tumor predisposition; Hereditary neoplastic syndrome; Hereditary Cancer Syndrome; Neoplastic Syndromes, Hereditary. Identifiers: Orphanet 140162, MedGen C0027672, MeSH D009386, MONDO:0015356.

Submission:

Ambry Genetics
Classification: Uncertain significance for Hereditary cancer-predisposing syndrome. Last evaluated: 2025-05-08. Review status: criteria provided, single submitter. Criteria: Ambry Variant Classification Scheme 2023. Collection method: clinical testing. Allele origin: germline.
Comment: The p.V406A variant (also known as c.1217T>C), located in coding exon 9 of the PTCH1 gene, results from a T to C substitution at nucleotide position 1217. The valine at codon 406 is replaced by alanine, an amino acid with similar properties. This amino acid position is conserved. In addition, the in silico prediction for this alteration is inconclusive. Based on the available evidence, the clinical significance of this variant remains unclear.